The following is an entry in ClinVar:

NM_001845.6(COL4A1):c.1426C>T (p.Arg476Trp)

Gene: COL4A1 (collagen type IV alpha 1 chain; minus strand). Cytogenetic location: 13q34.
Variant type: single nucleotide variant.
Coding change: c.1426C>T on transcript NM_001845.6 (MANE Select); coding-DNA position 1426, C replaced by T.
Protein change: p.Arg476Trp; replaces arginine 476 with tryptophan.
Molecular consequence: missense variant.
Genome position (GRCh38, 1-based): chr13:110,192,869, G>A on the plus strand (C>T on the coding strand, the complement: COL4A1 is on the minus strand). VCF-style: chr13-110192869-G-A. GRCh37 (hg19) VCF-style: chr13-110845216-G-A.
Other names: c.1426C>T, p.Arg476Trp (NM_001303110.2); short protein forms R476W.
Identifiers: ClinVar variation 720587 (VCV000720587.19), dbSNP rs369960952, ClinGen allele CA7047940.

ClinVar aggregate classification (germline): Conflicting classifications of pathogenicity. Review status: criteria provided, conflicting classifications (1 of 4 stars). 6 submissions from 5 submitters: Uncertain significance (1); Benign (3); Likely benign (2). Last evaluated 2025-12-31.

Conditions:
Autosomal dominant familial hematuria-retinal arteriolar tortuosity-contractures syndrome. Also called: Angiopathy, hereditary, with nephropathy, aneurysms, and muscle cramps; Hereditary Angiopathy with Nephropathy, Aneurysms, and Muscle Cramps (HANAC) Syndrome. Identifiers: Orphanet 73229, MedGen C2673195, MONDO:0012726, OMIM 611773.
Brain small vessel disease 1 with or without ocular anomalies (BSVD1). Also called: BRAIN SMALL VESSEL DISEASE WITH HEMORRHAGE; GOULD SYNDROME 1; PORENCEPHALY, TYPE 1, AUTOSOMAL DOMINANT; Brain small vessel disease with or without ocular anomalies. Identifiers: Orphanet 2940, Orphanet 36383, Orphanet 99810, MedGen C4755307, MONDO:0008289, OMIM 175780.

Allele frequency attached by ClinVar (database versions not stated): gnomAD 0.00003 and 0.00004; TOPMed 0.00007; ESP Exome Variant Server 0.00008; gnomAD exomes 0.00010 and 0.00018; 1000 Genomes Project 30x 0.00016; 1000 Genomes Project 0.00020; ExAC 0.00023.
gnomAD v4.1: 150 of 1,614,068 alleles (0.0093%); highest among the groups gnomAD compares: South Asian, 0.1%; 1 homozygote.

Submissions (6):

Labcorp Genetics (formerly Invitae), Labcorp
Classification: Likely benign. Last evaluated: 2025-12-31. Review status: criteria provided, single submitter. Criteria: Invitae Variant Classification Sherloc (09022015). Collection method: clinical testing. Allele origin: germline.

Laboratory of Genetics, Children's Clinical University Hospital Latvia
Classification: Benign. Last evaluated: 2025-02-16. Review status: criteria provided, single submitter. Criteria: ACMG Guidelines, 2015. Collection method: clinical testing. Allele origin: germline. Affected: yes.

GeneDx
Classification: Uncertain significance. Last evaluated: 2024-09-19. Review status: criteria provided, single submitter. Criteria: GeneDx Variant Classification Process June 2021. Collection method: clinical testing. Allele origin: germline. Affected: yes.
Comment: Identified in a patient with leukodystrophy in published literature; additional clinical information was not provided (PMID: 31069529); In silico analysis supports that this missense variant has a deleterious effect on protein structure/function; Occurs in the triple helical domain at the Y position in the canonical Gly-X-Y repeat; although this variant may have an effect on normal protein folding and function, missense substitution at the Y position is not a common mechanism of disease; This variant is associated with the following publications: (PMID: 31069529)

Blueprint Genetics
Classification: Likely benign. Last evaluated: 2024-09-12. Review status: criteria provided, single submitter. Criteria: ACMG Guidelines, 2015. Collection method: clinical testing. Allele origin: germline.

Illumina Laboratory Services, Illumina
Classification: Benign for Autosomal dominant familial hematuria-retinal arteriolar tortuosity-contractures syndrome. Last evaluated: 2018-01-13. Review status: criteria provided, single submitter. Criteria: ICSL Variant Classification Criteria 13 December 2019. Collection method: clinical testing. Allele origin: germline.
Comment: This variant was observed in the ICSL laboratory as part of a predisposition screen in an ostensibly healthy population. It had not been previously curated by ICSL or reported in the Human Gene Mutation Database (HGMD: prior to June 1st, 2018), and was therefore a candidate for classification through an automated scoring system. Utilizing variant allele frequency, disease prevalence and penetrance estimates, and inheritance mode, an automated score was calculated to assess if this variant is too frequent to cause the disease. Based on the score and internal cut-off values, a variant classified as benign is not then subjected to further curation. The score for this variant resulted in a classification of benign for this disease.

Illumina Laboratory Services, Illumina
Classification: Benign for Brain small vessel disease 1 with or without ocular anomalies. Last evaluated: 2018-01-13. Review status: criteria provided, single submitter. Criteria: ICSL Variant Classification Criteria 13 December 2019. Collection method: clinical testing. Allele origin: germline.
Comment: the same text as in the submission from Illumina Laboratory Services, Illumina above.